The following is an entry in ClinVar:

ClinVar aggregate classification (germline): Pathogenic. Review status: criteria provided, multiple submitters, no conflicts (2 of 4 stars). 5 submissions from 5 submitters: Pathogenic (4). 1 of the submissions does not count toward it. Last evaluated 2025-12-10.

Conditions:
Tuberous sclerosis syndrome (TSC). Also called: Tuberous Sclerosis Complex; Tuberous sclerosis. Identifiers: Orphanet 805, MedGen C0041341, MONDO:0001734.
Tuberous sclerosis 2 (TSC2). Identifiers: Orphanet 805, MedGen C1860707, MONDO:0013199, OMIM 613254.

Submissions (5):

Labcorp Genetics (formerly Invitae), Labcorp
Classification: Pathogenic for Tuberous sclerosis 2. Last evaluated: 2025-12-10. Review status: criteria provided, single submitter. Criteria: Invitae Variant Classification Sherloc (09022015). Collection method: clinical testing. Allele origin: germline.
Comment: This sequence change creates a premature translational stop signal (p.Tyr1250*) in the TSC2 gene. It is expected to result in an absent or disrupted protein product. Loss-of-function variants in TSC2 are known to be pathogenic (PMID: 10205261, 17304050). This variant is not present in population databases (gnomAD no frequency). This premature translational stop signal has been observed in individual(s) with tuberous sclerosis complex (PMID: 11112665, 36232477). ClinVar contains an entry for this variant (Variation ID: 49550). For these reasons, this variant has been classified as Pathogenic.

Division of Genomic Medicine, Department of Advanced Medicine, Medical Research Institute, Kanazawa Medical University
Classification: Pathogenic for Tuberous sclerosis 2. Last evaluated: 2022-07-19. Review status: criteria provided, single submitter. Criteria: ACMG Guidelines, 2015. Collection method: clinical testing. Allele origin: germline. Affected: yes. Observed: 1 variant allele.

Revvity Omics, Revvity
Classification: Pathogenic for Tuberous sclerosis 2. Last evaluated: 2021-12-13. Review status: criteria provided, single submitter. Criteria: ACMG Guidelines, 2015. Collection method: clinical testing. Allele origin: germline.

Laboratory for Molecular Medicine, Mass General Brigham Personalized Medicine
Classification: Pathogenic for Tuberous sclerosis syndrome. Last evaluated: 2018-04-20. Review status: criteria provided, single submitter. Criteria: LMM Criteria. Collection method: clinical testing. Allele origin: germline. Inheritance: Autosomal dominant inheritance. Observed: 1 variant allele.
Comment: The p.Tyr1250X variant in TSC2 has been reported in 5 individuals with tuberous sclerosis complex (TSC; Dabora 2001, Tyburczy 2014, Cai 2017, Tuberous sclerosis LOVD database) and was absent from large pop ulation studies. This nonsense variant leads to a premature termination codon at position 1250, which is predicted to lead to a truncated or absent protein. Het erozygous loss of function of the TSC2 gene is an established disease mechanism in individuals with TSC. In summary, this variant meets criteria to be classifie d as pathogenic for TSC in an autosomal dominant manner based upon presence in m ultiple affected individuals, absence from the general population and predicted impact to protein. ACMG/AMP Criteria applied: PVS1, PM2, PS4_Moderate.

Tuberous sclerosis database (TSC2)
No classification provided. Condition: TSC. Review status: no classification provided. Criteria: Tuberous Sclerosis Database Assertion Criteria 2015. Collection method: curation. Allele origin: germline. Affected: yes. Not counted in ClinVar's aggregate classification.

Literature cited by the submitters: PubMed 10205261 (cited by Labcorp Genetics (formerly Invitae), Labcorp); PubMed 17304050 (cited by Labcorp Genetics (formerly Invitae), Labcorp); PubMed 11112665 (cited by Labcorp Genetics (formerly Invitae), Labcorp and Laboratory for Molecular Medicine, Mass General Brigham Personalized Medicine); PubMed 36232477 (cited by Labcorp Genetics (formerly Invitae), Labcorp); PubMed 25525159 (cited by Laboratory for Molecular Medicine, Mass General Brigham Personalized Medicine); PubMed 24271014 (cited by Laboratory for Molecular Medicine, Mass General Brigham Personalized Medicine); PubMed 28065512 (cited by Laboratory for Molecular Medicine, Mass General Brigham Personalized Medicine).

NM_000548.5(TSC2):c.3750C>G (p.Tyr1250Ter)

Gene: TSC2 (TSC complex subunit 2; plus strand). Cytogenetic location: 16p13.3.
Variant type: single nucleotide variant.
Coding change: c.3750C>G on transcript NM_000548.5 (MANE Select); coding-DNA position 3750, C replaced by G.
Protein change: p.Tyr1250Ter; replaces tyrosine 1250 with a stop codon.
Molecular consequence: nonsense.
Genome position (GRCh38, 1-based): chr16:2,081,734, C>G. VCF-style: chr16-2081734-C-G. GRCh37 (hg19) VCF-style: chr16-2131735-C-G.
Other names: p.Tyr1250X; c.3618C>G, p.Tyr1206Ter (NM_001077183.3, NM_001370404.1); c.3750C>G, p.Tyr1250Ter (NM_001114382.3); c.3510C>G, p.Tyr1170Ter (NM_001318827.2); c.3474C>G, p.Tyr1158Ter (NM_001318829.2); c.3018C>G, p.Tyr1006Ter (NM_001318831.2); c.3651C>G, p.Tyr1217Ter (NM_001318832.2); c.3621C>G, p.Tyr1207Ter (NM_001363528.2, NM_001370405.1, NM_021055.3); short protein forms Y1250*, Y1207*, Y1158*, Y1170*, Y1206*, Y1217*, Y1006*.
Identifiers: ClinVar variation 49550 (VCV000049550.12), dbSNP rs45517308, ClinGen allele CA019521.